The following is an entry in ClinVar:

NM_003070.5(SMARCA2):c.3615C>G (p.Asp1205Glu)

Gene: SMARCA2 (SWI/SNF related BAF chromatin remodeling complex subunit ATPase 2; plus strand). Cytogenetic location: 9p24.3.
Variant type: single nucleotide variant.
Coding change: c.3615C>G on transcript NM_003070.5 (MANE Select); coding-DNA position 3615, C replaced by G.
Protein change: p.Asp1205Glu; replaces aspartic acid 1205 with glutamic acid.
Molecular consequence: missense variant.
Genome position (GRCh38, 1-based): chr9:2,115,980, C>G. VCF-style: chr9-2115980-C-G. GRCh37 (hg19) VCF-style: chr9-2115980-C-G.
Other names: c.3615C>G, p.Asp1205Glu (NM_001289396.2, NM_139045.4); c.3441C>G, p.Asp1147Glu (NM_001289397.2); short protein forms D1147E, D1205E.
Identifiers: ClinVar variation 1305099 (VCV001305099.3), dbSNP rs2130600052, ClinGen allele CA372788980.
Genomic context (GRCh38, chr9:2,115,980, plus strand): 5'-CGCGGCCGCAAAATACAAGCTGAACGTGGATCAGAAAGTGATCCAGGCGGGCATGTTTGA[C>G]CAAAAGTCTTCAAGCCACGAGCGGAGGGCATTCCTGCAGGCCATCTTGGAGCATGAGGAG-3'
Protein context (NP_003061.3, residues 1195-1215): DQKVIQAGMF[Asp1205Glu]QKSSSHERRA

ClinVar aggregate classification (germline): Uncertain significance. Review status: criteria provided, multiple submitters, no conflicts (2 of 4 stars). 2 submissions from 2 submitters: Uncertain significance (2). Last evaluated 2025-10-16.

Conditions:
Nicolaides-Baraitser syndrome (NCBRS). Also called: SMARCA2-Related Nicolaides-Baraitser Syndrome; Intellectual disability-sparse hair-brachydactyly syndrome. Identifiers: Orphanet 3051, MedGen C1303073, MONDO:0011053, OMIM 601358.

Submissions (2):

3billion
Classification: Uncertain significance for Nicolaides-Baraitser syndrome. Last evaluated: 2025-10-16. Review status: criteria provided, single submitter. Criteria: ACMG Guidelines, 2015. Collection method: clinical testing. Allele origin: germline. Affected: yes.
Comment: The variant is not observed in the gnomAD v4.1.0 dataset. Predicted Consequence/Location: Missense variant. Missense changes are a common disease-causing mechanism. In silico tool predictions suggest damaging effect of the variant on gene or gene product [3Cnet: 0.99 (> 0.75, sensitivity 0.96 and precision 0.92)]. A different missense change at the same codon (p.Asp1205Gly) has been reported to be associated with SMARCA2-related disorder (PMID: 22366787). However the evidence of pathogenicity is insufficient at this time. Therefore, this variant is classified as VUS according to the recommendation of ACMG/AMP guideline.

GeneDx
Classification: Uncertain significance. Last evaluated: 2019-04-16. Review status: criteria provided, single submitter. Criteria: GeneDx Variant Classification Process June 2021. Collection method: clinical testing. Allele origin: germline. Affected: yes.
Comment: Not observed in large population cohorts (Lek et al., 2016); In silico analysis, which includes protein predictors and evolutionary conservation, supports a deleterious effect; Has not been previously published as pathogenic or benign to our knowledge

Literature cited by the submitters: PubMed 22366787 (cited by 3billion).